The following is an entry in ClinVar:

ClinVar aggregate classification (germline): Uncertain significance (1 of 4 stars; one submission).

gnomAD v4.1: 20 of 1,613,868 alleles (0.0012%); highest among the groups gnomAD compares: Admixed American, 0.005%; no homozygotes.

Submission:

Labcorp Genetics (formerly Invitae), Labcorp
Classification: Uncertain significance. Last evaluated: 2025-07-31. Review status: criteria provided, single submitter. Criteria: Invitae Variant Classification Sherloc (09022015). Collection method: clinical testing. Allele origin: germline.
Comment: This sequence change replaces proline, which is neutral and non-polar, with leucine, which is neutral and non-polar, at codon 573 of the CSF2RB protein (p.Pro573Leu). This variant is present in population databases (no rsID available, gnomAD 0.002%). This variant has not been reported in the literature in individuals affected with CSF2RB-related conditions. ClinVar contains an entry for this variant (Variation ID: 3703083). Invitae Evidence Modeling of protein sequence and biophysical properties (such as structural, functional, and spatial information, amino acid conservation, physicochemical variation, residue mobility, and thermodynamic stability) indicates that this missense variant is not expected to disrupt CSF2RB protein function with a negative predictive value of 80%. In summary, the available evidence is currently insufficient to determine the role of this variant in disease. Therefore, it has been classified as a Variant of Uncertain Significance.

NM_000395.3(CSF2RB):c.1718C>T (p.Pro573Leu)

Gene: CSF2RB (colony stimulating factor 2 receptor subunit beta; plus strand). Cytogenetic location: 22q12.3.
Variant type: single nucleotide variant.
Coding change: c.1718C>T on transcript NM_000395.3 (MANE Select); coding-DNA position 1718, C replaced by T.
Protein change: p.Pro573Leu; replaces proline 573 with leucine.
Molecular consequence: missense variant.
Genome position (GRCh38, 1-based): chr22:36,937,526, C>T. VCF-style: chr22-36937526-C-T. GRCh37 (hg19) VCF-style: chr22-37333568-C-T.
Other names: c.1736C>T, p.Pro579Leu (NM_001410827.1); short protein forms P579L, P573L.
Identifiers: ClinVar variation 3703083 (VCV003703083.2).